The following is an entry in ClinVar:

ClinVar aggregate classification (germline): Pathogenic (1 of 4 stars; one submission).

Conditions:
Exostoses, multiple, type 2 (EXT2). Also called: Hereditary Multiple Osteochondromatosis, Type II; EXOSTOSES, MULTIPLE, TYPE II. Identifiers: Orphanet 321, MedGen C1851413, MONDO:0007586, OMIM 133701.

Submission:

Labcorp Genetics (formerly Invitae), Labcorp
Classification: Pathogenic for Exostoses, multiple, type 2. Last evaluated: 2024-10-22. Review status: criteria provided, single submitter. Criteria: Invitae Variant Classification Sherloc (09022015). Collection method: clinical testing. Allele origin: germline.
Comment: This sequence change creates a premature translational stop signal (p.Leu133Hisfs*7) in the EXT2 gene. It is expected to result in an absent or disrupted protein product. Loss-of-function variants in EXT2 are known to be pathogenic (PMID: 10679937, 19810120). This variant is not present in population databases (gnomAD no frequency). This variant has not been reported in the literature in individuals affected with EXT2-related conditions. ClinVar contains an entry for this variant (Variation ID: 1386232). For these reasons, this variant has been classified as Pathogenic.

Literature cited by the submitters: PubMed 10679937; PubMed 19810120.

NM_207122.2(EXT2):c.398_402del (p.Leu133fs)

Gene: EXT2 (exostosin glycosyltransferase 2; plus strand). Cytogenetic location: 11p11.2.
Variant type: Deletion.
Coding change: c.398_402del on transcript NM_207122.2 (MANE Select); coding-DNA positions 398 to 402, 5 bases deleted (TGCTC; older notation c.398_402delTGCTC).
Protein change: p.Leu133fs; shifts the reading frame from leucine 133.
Molecular consequence: frameshift variant.
Genome position (GRCh38, 1-based): chr11:44,108,110-44,108,114, TGCTC deleted; deleting any 5 consecutive bases within chr11:44,108,109-44,108,114 gives the same sequence; the c. name uses the placement nearest the transcript's 3' end. VCF-style (leftmost placement, unchanged base first): chr11-44108108-ACTGCT-A. GRCh37 (hg19) VCF-style: chr11-44129658-ACTGCT-A.
Other names: c.497_501del, p.Leu166fs (NM_000401.3); c.398_402del, p.Leu133fs (NM_001178083.3, NM_001389628.1, NM_001389630.1); short protein forms L166fs, L133fs.
Identifiers: ClinVar variation 1386232 (VCV001386232.6), dbSNP rs2134967717, ClinGen allele CA2573146276.
Genomic context (GRCh38, chr11:44,108,108, plus strand): 5'-AAAGTACGTGGATGACTTTGGCGTCTCTGTCAGCAACACCATCTCCCGGGAGTATAATGA[ACTGCT>A]CATGGCCATCTCAGACAGTGACTACTACACTGATGACATCAACCGGGCCTGTCTGTTTGT-3'